The following is an entry in ClinVar:

ClinVar aggregate classification (germline): Uncertain significance. Review status: criteria provided, multiple submitters, no conflicts (2 of 4 stars). 3 submissions from 3 submitters: Uncertain significance (3). Last evaluated 2026-05-28.

Conditions:
Trichorhinophalangeal dysplasia type I (TRPS1). Also called: TRICHORHINOPHALANGEAL SYNDROME, TYPE I; TRPS I. Identifiers: Orphanet 77258, MedGen C0432233, MONDO:0008596, OMIM 190350.
Trichorhinophalangeal syndrome, type III (TRPS3). Also called: SUGIO-KAJII SYNDROME. Identifiers: Orphanet 77258, MedGen C1860823, OMIM 190351, MONDO:0008597.
Inborn genetic diseases. Identifiers: MedGen C0950123, MeSH D030342.

Allele frequency attached by ClinVar (database versions not stated): TOPMed 0.00001; gnomAD exomes 0.00001; ExAC 0.00002.
gnomAD v4.1: 19 of 1,614,152 alleles (0.0012%); highest among the groups gnomAD compares: Non-Finnish European, 0.0013%; no homozygotes.

Submissions (3):

Women's Health and Genetics/Laboratory Corporation of America, LabCorp
Classification: Uncertain significance. Last evaluated: 2026-05-28. Review status: criteria provided, single submitter. Criteria: LabCorp Variant Classification Summary - May 2015. Collection method: clinical testing. Allele origin: germline.
Comment: Variant summary: TRPS1 c.713A>G (p.Asn238Ser) results in a conservative amino acid change in the encoded protein sequence. Algorithms developed to predict the effect of missense changes on protein structure and function are either unavailable or do not agree on the potential impact of this missense change. The variant allele was found at a frequency of 1.2e-05 in 249370 control chromosomes. The available data on variant occurrences in the general population are insufficient to allow any conclusion about variant significance. To our knowledge, no occurrence of c.713A>G in individuals affected with TRPS1-related conditions and no experimental evidence demonstrating its impact on protein function have been reported. ClinVar contains an entry for this variant (Variation ID: 2538341). Based on the evidence outlined above, the variant was classified as uncertain significance.

Labcorp Genetics (formerly Invitae), Labcorp
Classification: Uncertain significance for Trichorhinophalangeal syndrome, type III; Trichorhinophalangeal dysplasia type I. Last evaluated: 2025-06-12. Review status: criteria provided, single submitter. Criteria: Invitae Variant Classification Sherloc (09022015). Collection method: clinical testing. Allele origin: germline.
Comment: This sequence change replaces asparagine, which is neutral and polar, with serine, which is neutral and polar, at codon 238 of the TRPS1 protein (p.Asn238Ser). This variant is present in population databases (rs768026995, gnomAD 0.003%). This variant has not been reported in the literature in individuals affected with TRPS1-related conditions. ClinVar contains an entry for this variant (Variation ID: 2538341). Invitae Evidence Modeling of protein sequence and biophysical properties (such as structural, functional, and spatial information, amino acid conservation, physicochemical variation, residue mobility, and thermodynamic stability) indicates that this missense variant is not expected to disrupt TRPS1 protein function with a negative predictive value of 80%. In summary, the available evidence is currently insufficient to determine the role of this variant in disease. Therefore, it has been classified as a Variant of Uncertain Significance.

Ambry Genetics
Classification: Uncertain significance for Inborn genetic diseases. Last evaluated: 2023-04-18. Review status: criteria provided, single submitter. Criteria: Ambry Variant Classification Scheme 2023. Collection method: clinical testing. Allele origin: germline.

NM_014112.5(TRPS1):c.713A>G (p.Asn238Ser)

Gene: TRPS1 (transcriptional repressor GATA binding 1; minus strand). Cytogenetic location: 8q23.3.
Variant type: single nucleotide variant.
Coding change: c.713A>G on transcript NM_014112.5 (MANE Select); coding-DNA position 713, A replaced by G.
Protein change: p.Asn238Ser; replaces asparagine 238 with serine.
Molecular consequence: missense variant.
Genome position (GRCh38, 1-based): chr8:115,619,385, T>C on the plus strand (A>G on the coding strand, the complement: TRPS1 is on the minus strand). VCF-style: chr8-115619385-T-C. GRCh37 (hg19) VCF-style: chr8-116631612-T-C.
Other names: c.686A>G, p.Asn229Ser (NM_001282902.3); c.692A>G, p.Asn231Ser (NM_001282903.3); c.674A>G, p.Asn225Ser (NM_001330599.2); short protein forms N229S, N231S, N225S, N238S.
Identifiers: ClinVar variation 2538341 (VCV002538341.6), dbSNP rs768026995, ClinGen allele CA4851952.